The following is an entry in ClinVar:

ClinVar aggregate classification (germline): Pathogenic (1 of 4 stars; one submission).

Conditions:
Cystic fibrosis (CF). Also called: MUCOVISCIDOSIS. Identifiers: Orphanet 586, MedGen C0010674, MONDO:0009061, OMIM 219700. Disease mechanism: loss of function.

Submission:

Ambry Genetics
Classification: Pathogenic for Cystic fibrosis. Last evaluated: 2016-06-19. Review status: criteria provided, single submitter. Criteria: Ambry Variant Classification Scheme 2023. Collection method: clinical testing. Allele origin: germline.
Comment: The c.1319_1323delTCCTG pathogenic mutation, located in coding exon 10 of the CFTR gene, results from a deletion of 5 nucleotides from nucleotide positions 1319 to 1323, causing a translational frameshift with a predicted alternate stop codon (p.V440Efs*4). Since frameshifts are typically deleterious in nature, this alteration is interpreted as a disease-causing mutation (ACMG Recommendations for Standards for Interpretation and Reporting of Sequence Variations. Revision 2007. Genet Med. 2008;10:294).

NM_000492.4(CFTR):c.1319_1323del (p.Val440fs)

Genes: CFTR (CF transmembrane conductance regulator; plus strand), CFTR-AS1 (CFTR antisense RNA 1; minus strand). Cytogenetic location: 7q31.2.
Variant type: Microsatellite.
Coding change: c.1319_1323del on transcript NM_000492.4 (MANE Select); coding-DNA positions 1319 to 1323, 5 bases deleted (TCCTG; older notation c.1319_1323delTCCTG).
Protein change: p.Val440fs; shifts the reading frame from valine 440.
Molecular consequence: frameshift variant.
Genome position (GRCh38, 1-based): chr7:117,548,750-117,548,754, TCCTG deleted; deleting any 5 consecutive bases within chr7:117,548,745-117,548,754 gives the same sequence; the c. name uses the placement nearest the transcript's 3' end. VCF-style (leftmost placement, unchanged base first): chr7-117548744-CTCCTG-C. GRCh37 (hg19) VCF-style: chr7-117188798-CTCCTG-C.
Other names: c.1319_1323delTCCTG (NM_000492.3); c.1314_1318TCCTG[1], p.Val440Glufs (NM_000492.3); short protein forms V440fs.
Identifiers: ClinVar variation 1769837 (VCV001769837.2), dbSNP rs2485046325, ClinGen allele CA2580614239.